The following is an entry in ClinVar:

NM_006015.6(ARID1A):c.837C>T (p.Pro279=)

Genes: ARID1A (AT-rich interaction domain 1A; plus strand), LOC129929837 (ATAC-STARR-seq lymphoblastoid silent region 489; plus strand). Cytogenetic location: 1p36.11.
Variant type: single nucleotide variant.
Coding change: c.837C>T on transcript NM_006015.6 (MANE Select); coding-DNA position 837, C replaced by T.
Protein change: p.Pro279=; no amino-acid change (proline 279 retained).
Molecular consequence: synonymous variant.
Genome position (GRCh38, 1-based): chr1:26,697,240, C>T. VCF-style: chr1-26697240-C-T. GRCh37 (hg19) VCF-style: chr1-27023731-C-T.
Other names: c.837C>T, p.Pro279= (NM_139135.4).
Identifiers: ClinVar variation 1256709 (VCV001256709.31), dbSNP rs751086005, ClinGen allele CA706691.

ClinVar aggregate classification (germline): Benign/Likely benign. Review status: criteria provided, multiple submitters, no conflicts (2 of 4 stars). 3 submissions from 3 submitters: Benign (1); Likely benign (2). Last evaluated 2026-01-22.

Allele frequency attached by ClinVar (database versions not stated): gnomAD exomes 0.00005; ExAC 0.00024.
gnomAD v4.1: 64 of 1,373,450 alleles (0.0047%); highest among the groups gnomAD compares: African/African-American, 0.076%; no homozygotes.

Submissions (3):

Labcorp Genetics (formerly Invitae), Labcorp
Classification: Likely benign. Last evaluated: 2026-01-22. Review status: criteria provided, single submitter. Criteria: Invitae Variant Classification Sherloc (09022015). Collection method: clinical testing. Allele origin: germline.

CeGaT Center for Human Genetics Tuebingen
Classification: Likely benign. Last evaluated: 2022-11-01. Review status: criteria provided, single submitter. Criteria: CeGaT Center For Human Genetics Tuebingen Variant Classification Criteria Version 2. Collection method: clinical testing. Allele origin: germline. Affected: yes. Observed: 1 variant allele.
Comment: ARID1A: BP4, BP7

GeneDx
Classification: Benign. Last evaluated: 2020-08-14. Review status: criteria provided, single submitter. Criteria: GeneDx Variant Classification Process June 2021. Collection method: clinical testing. Allele origin: germline. Affected: yes.